The following is an entry in ClinVar:

ClinVar aggregate classification (germline): Benign (1 of 4 stars; one submission).

Conditions:
Glycogen storage disease, type II (IOPD). Also called: Pompe Disease; CARDIOMEGALIA GLYCOGENICA DIFFUSA; GLYCOGENOSIS, GENERALIZED, CARDIAC FORM; GSD II; POMPE DISEASE, INFANTILE-ONSET; GLYCOGEN STORAGE DISEASE II, INFANTILE-ONSET. Identifiers: Orphanet 365, MedGen C0017921, MONDO:0009290, OMIM 232300.

gnomAD v4.1: 2,553 of 152,348 alleles (1.7%); highest among the groups gnomAD compares: South Asian, 5.2%; 39 homozygotes.

Submission:

Genomenon, Inc
Classification: Benign for Glycogen storage disease, type II. Last evaluated: 2026-07-01. Review status: criteria provided, single submitter. Criteria: Genomenon Sequence Variant Interpretation Standards - Updated. Collection method: curation. Allele origin: germline. Affected: no.
Comment: GAA c.2190-490G>A is an intronic variant located in intron 15. This variant is present at high allele frequency in population databases. We classify GAA c.2190-490G>A as a benign variant.

NM_000152.5(GAA):c.2190-490G>A

Gene: GAA (alpha glucosidase; plus strand). Cytogenetic location: 17q25.3.
Variant type: single nucleotide variant.
Coding change: c.2190-490G>A on transcript NM_000152.5 (MANE Select); 490 bases into the intron before coding-DNA position 2190, G replaced by A.
Molecular consequence: intron variant.
Genome position (GRCh38, 1-based): chr17:80,116,478, G>A. VCF-style: chr17-80116478-G-A. GRCh37 (hg19) VCF-style: chr17-78090277-G-A.
Other names: c.2190-490G>A (NM_001406741.1, NM_001406742.1, NM_001079803.3 and 1 more transcripts).
Identifiers: ClinVar variation 4876377 (VCV004876377.1).